The following is an entry in ClinVar:

NM_015072.5(TTLL5):c.3726C>T (p.Ser1242=)

Gene: TTLL5 (tubulin tyrosine ligase like 5; plus strand). Cytogenetic location: 14q24.3.
Variant type: single nucleotide variant.
Coding change: c.3726C>T on transcript NM_015072.5 (MANE Select); coding-DNA position 3726, C replaced by T.
Protein change: p.Ser1242=; no amino-acid change (serine 1242 retained).
Molecular consequence: synonymous variant.
Genome position (GRCh38, 1-based): chr14:75,882,888, C>T. VCF-style: chr14-75882888-C-T. GRCh37 (hg19) VCF-style: chr14-76349231-C-T.
Identifiers: ClinVar variation 1947456 (VCV001947456.7), dbSNP rs1470258283, ClinGen allele CA487233973.
Genomic context (GRCh38, chr14:75,882,888, plus strand): 5'-CGCCTCCCTGGTTCCCAAACCCCCACCCAACCACGAACAAGTGCTCAGAAGGGCAACATC[C>T]CAGAAAGCTTCCAAGTAAGTTTTTTTCTGTTCAATTTCTACTGAGTTTTATCAGTTCTAA-3'
Protein context (NP_055887.3, residues 1232-1252): NHEQVLRRAT[Ser1242=]QKASKGSSAE

ClinVar aggregate classification (germline): Likely benign. Review status: criteria provided, multiple submitters, no conflicts (2 of 4 stars). 2 submissions from 2 submitters: Likely benign (2). Last evaluated 2026-04-01.

Allele frequency attached by ClinVar (database versions not stated): gnomAD exomes below 0.00001.
gnomAD v4.1: 5 of 1,614,112 alleles (0.00031%); highest among the groups gnomAD compares: Non-Finnish European, 0.00042%; no homozygotes.

Submissions (2):

CeGaT Center for Human Genetics Tuebingen
Classification: Likely benign. Last evaluated: 2026-04-01. Review status: criteria provided, single submitter. Criteria: CeGaT Center For Human Genetics Tuebingen Variant Classification Criteria Version 2. Collection method: clinical testing. Allele origin: germline. Affected: yes. Observed: 1 variant allele.
Comment: TTLL5: BP4, BP7

Labcorp Genetics (formerly Invitae), Labcorp
Classification: Likely benign. Last evaluated: 2022-02-20. Review status: criteria provided, single submitter. Criteria: Invitae Variant Classification Sherloc (09022015). Collection method: clinical testing. Allele origin: germline.